The following is an entry in ClinVar:

ClinVar aggregate classification (germline): Uncertain significance (1 of 4 stars; one submission).

Submission:

GeneDx
Classification: Uncertain significance. Last evaluated: 2026-04-12. Review status: criteria provided, single submitter. Criteria: GeneDx Variant Classification Process June 2021. Collection method: clinical testing. Allele origin: germline.
Comment: Not observed at significant frequency in large population cohorts (gnomAD); In silico analysis suggests that this missense variant does not alter protein structure/function; Has not been previously published as pathogenic or benign to our knowledge

NM_000719.7(CACNA1C):c.3524A>G (p.Gln1175Arg)

Gene: CACNA1C (calcium voltage-gated channel subunit alpha1 C; plus strand). Cytogenetic location: 12p13.33.
Variant type: single nucleotide variant.
Coding change: c.3524A>G on transcript NM_000719.7 (MANE Select); coding-DNA position 3524, A replaced by G.
Protein change: p.Gln1175Arg; replaces glutamine 1175 with arginine.
Molecular consequence: missense variant.
Genome position (GRCh38, 1-based): chr12:2,608,678, A>G. VCF-style: chr12-2608678-A-G. GRCh37 (hg19) VCF-style: chr12-2717844-A-G.
Other names: c.3584A>G, p.Gln1195Arg (NM_001129827.2, NM_001129832.2, NM_199460.4); c.3524A>G, p.Gln1175Arg (NM_001129829.2, NM_001129830.3, NM_001129831.2 and 15 more transcripts); c.3515A>G, p.Gln1172Arg (NM_001129844.2); short protein forms Q1172R, Q1175R, Q1195R.
Identifiers: ClinVar variation 5037092 (VCV005037092.1).